The following is an entry in ClinVar:

NM_004937.3(CTNS):c.926del (p.Gly309fs)

Gene: CTNS (cystinosin, lysosomal cystine transporter; plus strand). Cytogenetic location: 17p13.2.
Variant type: Deletion.
Coding change: c.926del on transcript NM_004937.3 (MANE Select); coding-DNA position 926, one base deleted (G; older notation c.926delG).
Protein change: p.Gly309fs; shifts the reading frame from glycine 309.
Molecular consequence: frameshift variant.
Genome position (GRCh38, 1-based): chr17:3,659,931, G deleted; the last of 5 consecutive G bases (chr17:3,659,927-3,659,931); deleting any one gives the same sequence. VCF-style (leftmost placement, unchanged base first): chr17-3659926-CG-C. GRCh37 (hg19) VCF-style: chr17-3563220-CG-C.
Other names: c.926del, p.Gly309fs (NM_001031681.3, NM_001374492.1); c.485del, p.Gly162fs (NM_001374493.1, NM_001374494.1, NM_001374495.1 and 1 more transcripts); short protein forms G162fs, G309fs.
Identifiers: ClinVar variation 4532193 (VCV004532193.1).

ClinVar aggregate classification (germline): Pathogenic (0 of 4 stars; one submission).

Conditions:
Nephropathic cystinosis (CTNS). Also called: CYSTINOSIN, DEFECT OF; LYSOSOMAL CYSTINE TRANSPORT PROTEIN, DEFECT OF; Abderhalden Lignac Kaufmann disease; Abderhalden-Kaufmann-Lignac syndrome. Identifiers: Orphanet 213, Orphanet 411629, MedGen C2931187, MONDO:0100151, OMIM 219800.

Submission:

Research Laboratory of Human Genome and Multifactorial Diseases, Faculty of Pharmacy, University of Monastir
Classification: Pathogenic for Nephropathic cystinosis. Review status: no assertion criteria provided. Collection method: clinical testing. Allele origin: germline. Inheritance: Autosomal recessive inheritance. Affected: yes. Observed: 1 homozygote.
Comment: According to polyphen-2, this variant is predicted probably damaging with a score of 0.999